The following is an entry in ClinVar:

NM_000388.4(CASR):c.2014C>A (p.Pro672Thr)

Gene: CASR (calcium sensing receptor; plus strand). Cytogenetic location: 3q21.1.
Variant type: single nucleotide variant.
Coding change: c.2014C>A on transcript NM_000388.4 (MANE Select); coding-DNA position 2014, C replaced by A.
Protein change: p.Pro672Thr; replaces proline 672 with threonine.
Molecular consequence: missense variant.
Genome position (GRCh38, 1-based): chr3:122,283,968, C>A. VCF-style: chr3-122283968-C-A. GRCh37 (hg19) VCF-style: chr3-122002815-C-A.
Other names: c.2044C>A, p.Pro682Thr (NM_001178065.2); short protein forms P672T, P682T.
Identifiers: ClinVar variation 35786 (VCV000035786.6), dbSNP rs193922431, ClinGen allele CA213577.

ClinVar aggregate classification (germline): Conflicting classifications of pathogenicity. Review status: criteria provided, conflicting classifications (1 of 4 stars). 2 submissions from 2 submitters: Likely pathogenic (1); Uncertain significance (1). Last evaluated 2023-02-14.

Conditions:
Familial hypocalciuric hypercalcemia (FHH). Also called: Familial benign hypercalcemia. Identifiers: Orphanet 405, MedGen C1809471, MONDO:0018458.
Autosomal dominant hypocalcemia 1 (HYPOC1). Also called: HYPOCALCEMIA, FAMILIAL. Identifiers: MedGen C3715128, MONDO:0011013, OMIM 601198.

gnomAD v4.1: 1 of 1,613,610 alleles (0.000062%); highest among the groups gnomAD compares: Non-Finnish European, 0.000085%; no homozygotes.

Submissions (2):

Labcorp Genetics (formerly Invitae), Labcorp
Classification: Uncertain significance for Familial hypocalciuric hypercalcemia; Autosomal dominant hypocalcemia 1. Last evaluated: 2023-02-14. Review status: criteria provided, single submitter. Criteria: Invitae Variant Classification Sherloc (09022015). Collection method: clinical testing. Allele origin: germline.
Comment: This variant is not present in population databases (gnomAD no frequency). This variant has not been reported in the literature in individuals affected with CASR-related conditions. ClinVar contains an entry for this variant (Variation ID: 35786). Algorithms developed to predict the effect of missense changes on protein structure and function (SIFT, PolyPhen-2, Align-GVGD) all suggest that this variant is likely to be disruptive. In summary, the available evidence is currently insufficient to determine the role of this variant in disease. Therefore, it has been classified as a Variant of Uncertain Significance. This sequence change replaces proline, which is neutral and non-polar, with threonine, which is neutral and polar, at codon 672 of the CASR protein (p.Pro672Thr).

Women's Health and Genetics/Laboratory Corporation of America, LabCorp
Classification: Likely pathogenic for Familial Hypocalciuric Hypercalcemia. Last evaluated: 2011-08-18. Review status: criteria provided, single submitter. Criteria: LabCorp Variant Classification Summary - May 2015. Collection method: curation, clinical testing. Allele origin: germline. Inheritance: autosomal unknown. Affected: yes.
ClinVar note: Converted during submission from likely pathogenic to Likely pathogenic.